The following is an entry in ClinVar:

ClinVar aggregate classification (germline): Likely pathogenic (1 of 4 stars; one submission).

Conditions:
Familial cancer of breast. Also called: hereditary breast carcinoma; BREAST CANCER, FAMILIAL; Hereditary breast cancer. Identifiers: Orphanet 227535, MedGen C0346153, MONDO:0016419, OMIM 114480. Disease mechanism: loss of function.

Submission:

Juno Genomics, Hangzhou Juno Genomics, Inc
Classification: Likely pathogenic for Familial cancer of breast. Review status: criteria provided, single submitter. Criteria: ACMG Guidelines, 2015. Collection method: clinical testing. Allele origin: germline.
Comment: Absent from controls (or at extremely low frequency if recessive) in Genome Aggregation Database.;Null variant in a gene where loss of function (LOF) is a known mechanism of disease.

NM_032043.3(BRIP1):c.1511del (p.Ile504fs)

Gene: BRIP1 (BRCA1 interacting DNA helicase 1; minus strand). Cytogenetic location: 17q23.2.
Variant type: Deletion.
Coding change: c.1511del on transcript NM_032043.3 (MANE Select); coding-DNA position 1511, one base deleted (T; older notation c.1511delT).
Protein change: p.Ile504fs; shifts the reading frame from isoleucine 504.
Molecular consequence: frameshift variant.
Genome position (GRCh38, 1-based): chr17:61,784,387, A deleted on the plus strand (T on the coding strand, the reverse complement: BRIP1 is on the minus strand). VCF-style (leftmost placement, unchanged base first): chr17-61784386-GA-G. GRCh37 (hg19) VCF-style: chr17-59861747-GA-G.
Other names: short protein forms I504fs.
Identifiers: ClinVar variation 4796508 (VCV004796508.2).